The following is an entry in ClinVar:

ClinVar aggregate classification (germline): Conflicting classifications of pathogenicity. Review status: criteria provided, conflicting classifications (1 of 4 stars). 3 submissions from 3 submitters: Uncertain significance (2); Likely benign (1). Last evaluated 2026-01-02.

Conditions:
Hereditary cancer-predisposing syndrome. Also called: Neoplastic Syndromes, Hereditary; Hereditary Cancer Syndrome; Hereditary neoplastic syndrome; Tumor predisposition. Identifiers: Orphanet 140162, MedGen C0027672, MeSH D009386, MONDO:0015356.
Familial adenomatous polyposis 2. Also called: ADENOMAS, MULTIPLE COLORECTAL, AUTOSOMAL RECESSIVE; MYH-associated polyposis; Adenomas, multiple colorectal; MUTYH Polyposis; COLORECTAL ADENOMATOUS POLYPOSIS, AUTOSOMAL RECESSIVE; FAP type 2. Identifiers: Orphanet 220460, Orphanet 247798, MedGen C3272841, MONDO:0012041, OMIM 608456.

Allele frequency attached by ClinVar (database versions not stated): gnomAD exomes below 0.00001; ExAC 0.00001; gnomAD 0.00001; TOPMed 0.00001.
gnomAD v4.1: 1 of 1,614,080 alleles (0.000062%); highest among the groups gnomAD compares: Non-Finnish European, 0.000085%; no homozygotes.

Submissions (3):

Labcorp Genetics (formerly Invitae), Labcorp
Classification: Uncertain significance for Familial adenomatous polyposis 2. Last evaluated: 2026-01-02. Review status: criteria provided, single submitter. Criteria: Invitae Variant Classification Sherloc (09022015). Collection method: clinical testing. Allele origin: germline.
Comment: This sequence change falls in intron 7 of the MUTYH gene. It does not directly change the encoded amino acid sequence of the MUTYH protein. It affects a nucleotide within the consensus splice site. This variant is present in population databases (rs762573043, gnomAD 0.0009%). This variant has not been reported in the literature in individuals affected with MUTYH-related conditions. ClinVar contains an entry for this variant (Variation ID: 378183). Variants that disrupt the consensus splice site are a relatively common cause of aberrant splicing (PMID: 17576681, 9536098). Algorithms developed to predict the effect of sequence changes on RNA splicing suggest that this variant is not likely to affect RNA splicing. In summary, the available evidence is currently insufficient to determine the role of this variant in disease. Therefore, it has been classified as a Variant of Uncertain Significance.

Color Diagnostics, LLC DBA Color Health
Classification: Uncertain significance for Hereditary cancer-predisposing syndrome. Last evaluated: 2025-09-14. Review status: criteria provided, single submitter. Criteria: ACMG Guidelines, 2015. Collection method: clinical testing. Allele origin: germline.
Comment: This variant causes a G to C nucleotide substitution at the +6 position of intron 7 of the MUTYH gene. To our knowledge, functional studies have not been reported for this variant. This variant has not been reported in individuals affected with MUTYH-related disorders in the literature. This variant has been identified in 1/251488 chromosomes in the general population by the Genome Aggregation Database (gnomAD). The available evidence is insufficient to determine the role of this variant in disease conclusively. Therefore, this variant is classified as a Variant of Uncertain Significance.

GeneDx
Classification: Likely benign. Last evaluated: 2017-08-23. Review status: criteria provided, single submitter. Criteria: GeneDx Variant Classification (06012015). Collection method: clinical testing. Allele origin: germline. Affected: yes.
Comment: This variant is considered likely benign or benign based on one or more of the following criteria: it is a conservative change, it occurs at a poorly conserved position in the protein, it is predicted to be benign by multiple in silico algorithms, and/or has population frequency not consistent with disease.

Literature cited by the submitters: PubMed 17576681 (cited by Labcorp Genetics (formerly Invitae), Labcorp); PubMed 9536098 (cited by Labcorp Genetics (formerly Invitae), Labcorp).

NM_001048174.2(MUTYH):c.492+6G>C

Gene: MUTYH (mutY DNA glycosylase; minus strand). Cytogenetic location: 1p34.1.
Variant type: single nucleotide variant.
Coding change: c.492+6G>C on transcript NM_001048174.2 (MANE Select); 6 bases into the intron after coding-DNA position 492, G replaced by C.
Molecular consequence: intron variant.
Genome position (GRCh38, 1-based): chr1:45,332,757, C>G on the plus strand (G>C on the coding strand, the complement: MUTYH is on the minus strand). VCF-style: chr1-45332757-C-G. GRCh37 (hg19) VCF-style: chr1-45798429-C-G.
Other names: c.147+6G>C (NM_001350651.2, NM_001350650.2); c.216+6G>C (NM_001293192.2, NM_001293196.2); c.492+6G>C (NM_001048171.2, NM_001048173.2, NM_001293195.2); c.537+6G>C (NM_001293190.2); c.567+6G>C (NM_012222.3); c.576+6G>C (NM_001128425.2); c.495+6G>C (NM_001048172.2); c.525+6G>C (NM_001293191.2).
Identifiers: ClinVar variation 378183 (VCV000378183.5), dbSNP rs762573043, ClinGen allele CA058309.